The following is an entry in ClinVar:

NM_032790.4(ORAI1):c.140C>T (p.Pro47Leu)

Genes: ORAI1 (ORAI calcium release-activated calcium modulator 1; plus strand), LOC130008987 (ATAC-STARR-seq lymphoblastoid silent region 4981; plus strand). Cytogenetic location: 12q24.31.
Variant type: single nucleotide variant.
Coding change: c.140C>T on transcript NM_032790.4 (MANE Select); coding-DNA position 140, C replaced by T.
Protein change: p.Pro47Leu; replaces proline 47 with leucine.
Genome position (GRCh38, 1-based): chr12:121,626,887, C>T. VCF-style: chr12-121626887-C-T. GRCh37 (hg19) VCF-style: chr12-122064793-C-T.
Other names: short protein forms P47L.
Identifiers: ClinVar variation 430344 (VCV000430344.13), dbSNP rs781855511, ClinGen allele CA244608430.

ClinVar aggregate classification (germline): Uncertain significance. Review status: criteria provided, multiple submitters, no conflicts (2 of 4 stars). 4 submissions from 4 submitters: Uncertain significance (4). Last evaluated 2025-09-02.

Conditions:
Myopathy, tubular aggregate, 2 (TAM2). Identifiers: MedGen C4014557, MONDO:0014383, OMIM 615883.
Combined immunodeficiency due to ORAI1 deficiency. Also called: IMMUNODEFICIENCY 9. Identifiers: Orphanet 169090, Orphanet 317428, MedGen C2748568, MONDO:0013007, OMIM 612782.

Allele frequency attached by ClinVar (database versions not stated): TOPMed 0.00002; ExAC 0.00003; gnomAD exomes 0.00003.

Submissions (4):

Labcorp Genetics (formerly Invitae), Labcorp
Classification: Uncertain significance for Myopathy, tubular aggregate, 2; Combined immunodeficiency due to ORAI1 deficiency. Last evaluated: 2025-09-02. Review status: criteria provided, single submitter. Criteria: Invitae Variant Classification Sherloc (09022015). Collection method: clinical testing. Allele origin: germline.
Comment: This sequence change replaces proline, which is neutral and non-polar, with leucine, which is neutral and non-polar, at codon 47 of the ORAI1 protein (p.Pro47Leu). This variant is present in population databases (rs781855511, gnomAD 0.01%). This variant has not been reported in the literature in individuals affected with ORAI1-related conditions. ClinVar contains an entry for this variant (Variation ID: 430344). Experimental studies and prediction algorithms are not available or were not evaluated, and the functional significance of this variant is currently unknown. In summary, the available evidence is currently insufficient to determine the role of this variant in disease. Therefore, it has been classified as a Variant of Uncertain Significance.

Women's Health and Genetics/Laboratory Corporation of America, LabCorp
Classification: Uncertain significance. Last evaluated: 2024-09-05. Review status: criteria provided, single submitter. Criteria: LabCorp Variant Classification Summary - May 2015. Collection method: clinical testing. Allele origin: germline.
Comment: Variant summary: ORAI1 c.146C>T (p.Pro49Leu) results in a non-conservative amino acid change in the encoded protein sequence. Two of four in-silico tools predict a benign effect of the variant on protein function. The variant allele was found at a frequency of 2.9e-05 in 208280 control chromosomes. The available data on variant occurrences in the general population are insufficient to allow any conclusion about variant significance. To our knowledge, no occurrence of c.146C>T in individuals affected with Myopathy, Tubular Aggregate, 2 and no experimental evidence demonstrating its impact on protein function have been reported. ClinVar contains an entry for this variant (Variation ID: 430344). Based on the evidence outlined above, the variant was classified as uncertain significance.

Fulgent Genetics
Classification: Uncertain significance for Combined immunodeficiency due to ORAI1 deficiency; Myopathy, tubular aggregate, 2. Last evaluated: 2018-10-31. Review status: criteria provided, single submitter. Criteria: ACMG Guidelines, 2015. Collection method: clinical testing. Allele origin: unknown.

GeneDx
Classification: Uncertain significance. Last evaluated: 2017-05-25. Review status: criteria provided, single submitter. Criteria: GeneDx Variant Classification (06012015). Collection method: clinical testing. Allele origin: germline. Affected: yes.
Comment: The P47L variant has not been published as a pathogenic variant, nor has it been reported as a benign variant to our knowledge. The variant is not observed in large population cohorts (Lek et al., 2016; 1000 Genomes Consortium et al., 2015; Exome Variant Server). P47L is a semi-conservative amino acid substitution, which may impact secondary protein structure as these residues differ in some properties. This substitution occurs at a position that is not conserved, and in silico analysis is inconsistent in its predictions as to whether or not the variant is damaging to the protein structure/function. In summary, based on the currently available information, it is unclear whether this variant is a pathogenic variant or a rare benign variant.